The following is an entry in ClinVar:

NM_004415.4(DSP):c.6353_6356del (p.Arg2118fs)

Gene: DSP (desmoplakin; plus strand). Cytogenetic location: 6p24.3.
Variant type: Deletion.
Coding change: c.6353_6356del on transcript NM_004415.4 (MANE Select); coding-DNA positions 6353 to 6356, 4 bases deleted (GAGA; older notation c.6353_6356delGAGA).
Protein change: p.Arg2118fs; shifts the reading frame from arginine 2118.
Molecular consequence: frameshift variant.
Genome position (GRCh38, 1-based): chr6:7,583,615-7,583,618, GAGA deleted; deleting any 4 consecutive bases within chr6:7,583,614-7,583,618 gives the same sequence; the c. name uses the placement nearest the transcript's 3' end. VCF-style (leftmost placement, unchanged base first): chr6-7583613-TAGAG-T. GRCh37 (hg19) VCF-style: chr6-7583846-TAGAG-T.
Other names: c.4556_4559del, p.Arg1519fs (NM_001008844.3); c.5024_5027del, p.Arg1675fs (NM_001319034.2); short protein forms R1519fs, R1675fs, R2118fs.
Identifiers: ClinVar variation 4526749 (VCV004526749.1).
Genomic context (GRCh38, chr6:7,583,613, plus strand): 5'-TGATCCATTTTCAGGCAAGACAGTATCTGTTTCAGAAGCCATCAAGAAAAATTTGATTGA[TAGAG>T]AAACCGGAATGCGCCTGCTGGAAGCCCAGATTGCTTCAGGGGGTGTAGTAGACCCTGTGA-3'

ClinVar aggregate classification (germline): Pathogenic (1 of 4 stars; one submission).

Submission:

Centre for Clinical Genetics and Genomic Diagnostics, Zealand University Hospital
Classification: Pathogenic. Last evaluated: 2024-10-23. Review status: criteria provided, single submitter. Criteria: ACMG Guidelines, 2015. Collection method: clinical testing. Allele origin: germline. Affected: yes.
Comment: Compound heterozygous